The following is an entry in ClinVar:

ClinVar aggregate classification (germline): Uncertain significance (1 of 4 stars; one submission).

Conditions:
Glycogen storage disease type III (GSD3). Also called: FORBES DISEASE; Cori disease. Identifiers: Orphanet 366, MedGen C0017922, MONDO:0009291, OMIM 232400.

gnomAD v4.1: 1 of 1,614,012 alleles (0.000062%); highest among the groups gnomAD compares: Non-Finnish European, 0.000085%; no homozygotes.

Submission:

Labcorp Genetics (formerly Invitae), Labcorp
Classification: Uncertain significance for Glycogen storage disease type III. Last evaluated: 2021-10-13. Review status: criteria provided, single submitter. Criteria: Invitae Variant Classification Sherloc (09022015). Collection method: clinical testing. Allele origin: germline.
Comment: This sequence change replaces phenylalanine with tyrosine at codon 23 of the AGL protein (p.Phe23Tyr). The phenylalanine residue is moderately conserved and there is a small physicochemical difference between phenylalanine and tyrosine. This variant is not present in population databases (ExAC no frequency). Algorithms developed to predict the effect of missense changes on protein structure and function (SIFT, PolyPhen-2, Align-GVGD) all suggest that this variant is likely to be tolerated. In summary, the available evidence is currently insufficient to determine the role of this variant in disease. Therefore, it has been classified as a Variant of Uncertain Significance. This variant has not been reported in the literature in individuals affected with AGL-related conditions.

NM_000642.3(AGL):c.68T>A (p.Phe23Tyr)

Gene: AGL (amylo-alpha-1,6-glucosidase and 4-alpha-glucanotransferase; plus strand). Cytogenetic location: 1p21.2.
Variant type: single nucleotide variant.
Coding change: c.68T>A on transcript NM_000642.3 (MANE Select); coding-DNA position 68, T replaced by A.
Protein change: p.Phe23Tyr; replaces phenylalanine 23 with tyrosine.
Molecular consequence: missense variant.
Genome position (GRCh38, 1-based): chr1:99,851,110, T>A. VCF-style: chr1-99851110-T-A. GRCh37 (hg19) VCF-style: chr1-100316666-T-A.
Other names: c.68T>A, p.Phe23Tyr (NM_000028.3, NM_000643.3, NM_000644.3 and 6 more transcripts); c.-124T>A (NM_000646.3); short protein forms F23Y.
Identifiers: ClinVar variation 1429217 (VCV001429217.6), dbSNP rs1342547734, ClinGen allele CA341323821.